The following is an entry in ClinVar:

NM_000553.6(WRN):c.1572T>G (p.Asp524Glu)

Gene: WRN (WRN RecQ like helicase; plus strand). Cytogenetic location: 8p12.
Variant type: single nucleotide variant.
Coding change: c.1572T>G on transcript NM_000553.6 (MANE Select); coding-DNA position 1572, T replaced by G.
Protein change: p.Asp524Glu; replaces aspartic acid 524 with glutamic acid.
Molecular consequence: missense variant.
Genome position (GRCh38, 1-based): chr8:31,087,916, T>G. VCF-style: chr8-31087916-T-G. GRCh37 (hg19) VCF-style: chr8-30945432-T-G.
Other names: short protein forms D524E.
Identifiers: ClinVar variation 2096559 (VCV002096559.4), dbSNP rs2535924802, ClinGen allele CA370925001.

ClinVar aggregate classification (germline): Uncertain significance (1 of 4 stars; one submission).

Conditions:
Werner syndrome (WRN). Identifiers: Orphanet 902, MedGen C0043119, MONDO:0010196, OMIM 277700.

Submission:

Labcorp Genetics (formerly Invitae), Labcorp
Classification: Uncertain significance for Werner syndrome. Last evaluated: 2022-06-16. Review status: criteria provided, single submitter. Criteria: Invitae Variant Classification Sherloc (09022015). Collection method: clinical testing. Allele origin: germline.
Comment: In summary, the available evidence is currently insufficient to determine the role of this variant in disease. Therefore, it has been classified as a Variant of Uncertain Significance. Algorithms developed to predict the effect of missense changes on protein structure and function are either unavailable or do not agree on the potential impact of this missense change (SIFT: "Not Available"; PolyPhen-2: "Benign"; Align-GVGD: "Not Available"). This variant has not been reported in the literature in individuals affected with WRN-related conditions. This variant is not present in population databases (gnomAD no frequency). This sequence change replaces aspartic acid, which is acidic and polar, with glutamic acid, which is acidic and polar, at codon 524 of the WRN protein (p.Asp524Glu).